The following is an entry in ClinVar:

NM_005477.3(HCN4):c.2603C>T (p.Pro868Leu)

Gene: HCN4 (hyperpolarization activated cyclic nucleotide gated potassium channel 4; minus strand). Cytogenetic location: 15q24.1.
Variant type: single nucleotide variant.
Coding change: c.2603C>T on transcript NM_005477.3 (MANE Select); coding-DNA position 2603, C replaced by T.
Protein change: p.Pro868Leu; replaces proline 868 with leucine.
Molecular consequence: missense variant.
Genome position (GRCh38, 1-based): chr15:73,323,490, G>A on the plus strand (C>T on the coding strand, the complement: HCN4 is on the minus strand). VCF-style: chr15-73323490-G-A. GRCh37 (hg19) VCF-style: chr15-73615831-G-A.
Other names: short protein forms P868L.
Identifiers: ClinVar variation 3630633 (VCV003630633.2).

ClinVar aggregate classification (germline): Uncertain significance (1 of 4 stars; one submission).

Conditions:
Brugada syndrome 8 (BRGDA8). Identifiers: Orphanet 130, MedGen C2751083, MONDO:0013148, OMIM 613123.

Submission:

Labcorp Genetics (formerly Invitae), Labcorp
Classification: Uncertain significance for Brugada syndrome 8. Last evaluated: 2024-02-14. Review status: criteria provided, single submitter. Criteria: Invitae Variant Classification Sherloc (09022015). Collection method: clinical testing. Allele origin: germline.
Comment: This sequence change replaces proline, which is neutral and non-polar, with leucine, which is neutral and non-polar, at codon 868 of the HCN4 protein (p.Pro868Leu). This variant is not present in population databases (gnomAD no frequency). This variant has not been reported in the literature in individuals affected with HCN4-related conditions. Advanced modeling of protein sequence and biophysical properties (such as structural, functional, and spatial information, amino acid conservation, physicochemical variation, residue mobility, and thermodynamic stability) performed at Invitae indicates that this missense variant is not expected to disrupt HCN4 protein function with a negative predictive value of 95%. In summary, the available evidence is currently insufficient to determine the role of this variant in disease. Therefore, it has been classified as a Variant of Uncertain Significance.